The following is an entry in ClinVar:

NM_001330360.2(POLA1):c.413ACA[1] (p.Asn139del)

Gene: POLA1 (DNA polymerase alpha 1, catalytic subunit; plus strand). Cytogenetic location: Xp22.11.
Variant type: Microsatellite.
Coding change: c.413ACA[1] on transcript NM_001330360.2 (MANE Select); one copy of the 3-base unit ACA starting at c.413; the reference has two copies in a row; one copy, 3 bases deleted.
Protein change: p.Asn139del; deletes asparagine 139.
Molecular consequence: inframe deletion. On other transcripts: non-coding transcript variant (2).
Genome position (GRCh38, 1-based): chrX:24,714,623-24,714,625, ACA deleted; deleting any 3 consecutive bases within chrX:24,714,619-24,714,625 gives the same sequence; the position shown is the placement nearest the transcript's 3' end. VCF-style (leftmost placement, unchanged base first): chrX-24714618-GAAC-G. GRCh37 (hg19) VCF-style: chrX-24732735-GAAC-G.
Other names: c.413ACA[1], p.Asn139del (NM_001378303.1); c.395ACA[1], p.Asn133del (NM_016937.4); short protein forms N133del, N139del.
Identifiers: ClinVar variation 1387322 (VCV001387322.8), dbSNP rs774363704, ClinGen allele CA10372776.

ClinVar aggregate classification (germline): Uncertain significance (1 of 4 stars; one submission).

Submission:

Labcorp Genetics (formerly Invitae), Labcorp
Classification: Uncertain significance. Last evaluated: 2022-09-01. Review status: criteria provided, single submitter. Criteria: Invitae Variant Classification Sherloc (09022015). Collection method: clinical testing. Allele origin: germline.
Comment: In summary, the available evidence is currently insufficient to determine the role of this variant in disease. Therefore, it has been classified as a Variant of Uncertain Significance. Experimental studies and prediction algorithms are not available or were not evaluated, and the functional significance of this variant is currently unknown. This variant has not been reported in the literature in individuals affected with POLA1-related conditions. This variant is present in population databases (rs774363704, gnomAD 0.02%). This variant, c.398_400del, results in the deletion of 1 amino acid(s) of the POLA1 protein (p.Asn133del), but otherwise preserves the integrity of the reading frame.